The following is an entry in ClinVar:

ClinVar aggregate classification (germline): Benign. Review status: criteria provided, multiple submitters, no conflicts (2 of 4 stars). 7 submissions from 7 submitters: Benign (7). Last evaluated 2026-02-04.

Conditions:
Charcot-Marie-Tooth disease. Also called: Charcot-Marie-Tooth Hereditary Neuropathy; Charcot-Marie-Tooth Neuropathy. Identifiers: Orphanet 166, MedGen C0007959, MONDO:0015626.
Charcot-Marie-Tooth disease type 4. Also called: Charcot-Marie-Tooth disease, type IV; Charcot-Marie-Tooth, Type 4. Identifiers: Orphanet 64749, MedGen C4082197, MONDO:0018995.
Charcot-Marie-Tooth disease type 4B2. Also called: CHARCOT-MARIE-TOOTH DISEASE, DEMYELINATING, TYPE 4B2; CMT 4B2; Charcot-Marie-Tooth Neuropathy Type 4B2; CHARCOT-MARIE-TOOTH DISEASE, WITH FOCALLY FOLDED MYELIN SHEATHS, AUTOSOMAL RECESSIVE, TYPE 4B2. Identifiers: Orphanet 99956, MedGen C1858278, MONDO:0011475, OMIM 604563.

Allele frequency attached by ClinVar (database versions not stated): TOPMed 0.05727; gnomAD 0.05858 and 0.06062; ESP Exome Variant Server 0.05866; 1000 Genomes Project 30x 0.06027; gnomAD exomes 0.06901 and 0.07401; ExAC 0.07600; 1000 Genomes Project 0.06370.
gnomAD v4.1: 110,122 of 1,606,236 alleles (6.9%); highest among the groups gnomAD compares: Middle Eastern, 19%; 4,774 homozygotes.

Submissions (7):

Labcorp Genetics (formerly Invitae), Labcorp
Classification: Benign for Charcot-Marie-Tooth disease type 4. Last evaluated: 2026-02-04. Review status: criteria provided, single submitter. Criteria: Invitae Variant Classification Sherloc (09022015). Collection method: clinical testing. Allele origin: germline.

Blueprint Genetics
Classification: Benign. Last evaluated: 2024-11-27. Review status: criteria provided, single submitter. Criteria: ACMG Guidelines, 2015. Collection method: clinical testing. Allele origin: germline.

Illumina Laboratory Services, Illumina
Classification: Benign for Charcot-Marie-Tooth disease type 4B2. Last evaluated: 2018-01-12. Review status: criteria provided, single submitter. Criteria: ICSL Variant Classification Criteria 13 December 2019. Collection method: clinical testing. Allele origin: germline.
Comment: This variant was observed in the ICSL laboratory as part of a predisposition screen in an ostensibly healthy population. It had not been previously curated by ICSL or reported in the Human Gene Mutation Database (HGMD: prior to June 1st, 2018), and was therefore a candidate for classification through an automated scoring system. Utilizing variant allele frequency, disease prevalence and penetrance estimates, and inheritance mode, an automated score was calculated to assess if this variant is too frequent to cause the disease. Based on the score and internal cut-off values, a variant classified as benign is not then subjected to further curation. The score for this variant resulted in a classification of benign for this disease.

Mayo Clinic Laboratories, Mayo Clinic
Classification: Benign. Last evaluated: 2016-03-02. Review status: criteria provided, single submitter. Criteria: ACMG Guidelines, 2015. Collection method: clinical testing. Allele origin: germline. Observed: 306 variant alleles.

GeneDx
Classification: Benign. Last evaluated: 2014-05-12. Review status: criteria provided, single submitter. Criteria: GeneDx Variant Classification (06012015). Collection method: clinical testing. Allele origin: germline. Affected: yes.
Comment: This variant is considered likely benign or benign based on one or more of the following criteria: it is a conservative change, it occurs at a poorly conserved position in the protein, it is predicted to be benign by multiple in silico algorithms, and/or has population frequency not consistent with disease.

Breakthrough Genomics
Classification: Benign. Review status: criteria provided, single submitter. Criteria: ACMG Guidelines, 2015. Collection method: not provided. Allele origin: germline. Inheritance: Autosomal recessive inheritance. Affected: yes.

Molecular Genetics Laboratory, London Health Sciences Centre
Classification: Benign for Charcot-Marie-Tooth disease. Review status: criteria provided, single submitter. Criteria: ACMG Guidelines, 2015. Collection method: clinical testing. Allele origin: germline. Affected: yes.

NM_030962.4(SBF2):c.909C>T (p.Pro303=)

Gene: SBF2 (SET binding factor 2; minus strand). Cytogenetic location: 11p15.4.
Variant type: single nucleotide variant.
Coding change: c.909C>T on transcript NM_030962.4 (MANE Select); coding-DNA position 909, C replaced by T.
Protein change: p.Pro303=; no amino-acid change (proline 303 retained).
Molecular consequence: synonymous variant.
Genome position (GRCh38, 1-based): chr11:9,998,332, G>A on the plus strand (C>T on the coding strand, the complement: SBF2 is on the minus strand). VCF-style: chr11-9998332-G-A. GRCh37 (hg19) VCF-style: chr11-10019879-G-A.
Other names: p.P303P:CCC>CCT; p.Pro303=; c.909C>T, p.Pro303= (NM_001386339.1, NM_001386342.1).
Identifiers: ClinVar variation 138963 (VCV000138963.19), dbSNP rs16907355, ClinGen allele CA293141.
Genomic context (GRCh38, chr11:9,998,332, plus strand): 5'-AAGAGCTGATTGAGTCTGATGTAGAAGTGGTTCTGGGAGGGAAGAGAGGTGAATACATTC[G>A]GGAATTTTAATAGTGCCTCCATCCAAATCTGCTATGATTACATCTAACTGAAAGAGATAA-3'
Protein context (NP_112224.1, residues 293-313): ADLDGGTIKI[Pro303=]ECIHLSSLPE